The following is an entry in ClinVar:

NM_001267550.2(TTN):c.12610del (p.Thr4204fs)

Gene: TTN (titin; minus strand). Cytogenetic location: 2q31.2.
Variant type: Deletion.
Coding change: c.12610del on transcript NM_001267550.2 (MANE Select); coding-DNA position 12610, one base deleted (A; older notation c.12610delA).
Protein change: p.Thr4204fs; shifts the reading frame from threonine 4204.
Molecular consequence: frameshift variant. On other transcripts: intron variant (1).
Genome position (GRCh38, 1-based): chr2:178,740,623, T deleted on the plus strand (A on the coding strand, the reverse complement: TTN is on the minus strand); the first of 4 consecutive T bases (chr2:178,740,623-178,740,626); deleting any one gives the same sequence. VCF-style (leftmost placement, unchanged base first): chr2-178740622-GT-G. GRCh37 (hg19) VCF-style: chr2-179605349-GT-G.
Other names: c.11659del, p.Thr3887fs (NM_001256850.1); c.11521del, p.Thr3841fs (NM_003319.4); c.11896del, p.Thr3966fs (NM_133432.3); c.12097del, p.Thr4033fs (NM_133437.4); c.10361-2263del (NM_133378.4); short protein forms T3841fs, T3887fs, T3966fs, T4033fs, T4204fs.
Identifiers: ClinVar variation 4857438 (VCV004857438.1).

ClinVar aggregate classification (germline): Pathogenic (1 of 4 stars; one submission).

Conditions:
Dilated cardiomyopathy 1G (CMD1G). Identifiers: Orphanet 154, MedGen C1858763, MONDO:0011400, OMIM 604145.

Submission:

Institute of Human Genetics, University of Leipzig Medical Center
Classification: Pathogenic for Dilated cardiomyopathy 1G. Last evaluated: 2026-05-06. Review status: criteria provided, single submitter. Criteria: ACMG Guidelines, 2015. Collection method: clinical testing. Allele origin: unknown. Inheritance: Autosomal dominant inheritance. Affected: yes.
Comment: Criteria applied: PVS1,PM2